The following is an entry in ClinVar:

ClinVar aggregate classification (germline): Uncertain significance (1 of 4 stars; one submission).

Conditions:
DICER1-related tumor predisposition. Also called: DICER1-related pleuropulmonary blastoma cancer predisposition syndrome; DICER1 syndrome. Identifiers: Orphanet 284343, MedGen C3839822, MONDO:0100216.

Submission:

Labcorp Genetics (formerly Invitae), Labcorp
Classification: Uncertain significance for DICER1-related tumor predisposition. Last evaluated: 2023-09-30. Review status: criteria provided, single submitter. Criteria: Invitae Variant Classification Sherloc (09022015). Collection method: clinical testing. Allele origin: germline.
Comment: This sequence change replaces proline, which is neutral and non-polar, with threonine, which is neutral and polar, at codon 1653 of the DICER1 protein (p.Pro1653Thr). This variant is not present in population databases (gnomAD no frequency). This variant has not been reported in the literature in individuals affected with DICER1-related conditions. An algorithm developed to predict the effect of missense changes on protein structure and function (PolyPhen-2) suggests that this variant is likely to be disruptive. In summary, the available evidence is currently insufficient to determine the role of this variant in disease. Therefore, it has been classified as a Variant of Uncertain Significance.

NM_177438.3(DICER1):c.4957C>A (p.Pro1653Thr)

Gene: DICER1 (dicer 1, ribonuclease III; minus strand). Cytogenetic location: 14q32.13.
Variant type: single nucleotide variant.
Coding change: c.4957C>A on transcript NM_177438.3 (MANE Select); coding-DNA position 4957, C replaced by A.
Protein change: p.Pro1653Thr; replaces proline 1653 with threonine.
Molecular consequence: missense variant. On other transcripts: non-coding transcript variant (6).
Genome position (GRCh38, 1-based): chr14:95,095,963, G>T on the plus strand (C>A on the coding strand, the complement: DICER1 is on the minus strand). VCF-style: chr14-95095963-G-T. GRCh37 (hg19) VCF-style: chr14-95562300-G-T.
Other names: c.4957C>A, p.Pro1653Thr (NM_001195573.1, NM_001271282.3, NM_001291628.2 and 13 more transcripts); c.4675C>A, p.Pro1559Thr (NM_001395686.1); c.4552C>A, p.Pro1518Thr (NM_001395687.1, NM_001395688.1, NM_001395689.1 and 2 more transcripts); c.4390C>A, p.Pro1464Thr (NM_001395691.1); c.3274C>A, p.Pro1092Thr (NM_001395697.1); short protein forms P1092T, P1559T, P1653T, P1464T, P1518T.
Identifiers: ClinVar variation 2764700 (VCV002764700.3), dbSNP rs1324584737, ClinGen allele CA390866226.